The following is an entry in ClinVar:

ClinVar aggregate classification (germline): Uncertain significance (1 of 4 stars; one submission).

Conditions:
LEP-related disorder. Also called: LEP-related condition.

gnomAD v4.1: 2 of 1,614,118 alleles (0.00012%); highest among the groups gnomAD compares: Middle Eastern, 0.033%; no homozygotes.

Submission:

PreventionGenetics, part of Exact Sciences
Classification: Uncertain significance for LEP-related condition. Last evaluated: 2026-06-03. Review status: criteria provided, single submitter. Criteria: ACMG Guidelines, 2015. Collection method: clinical testing. Allele origin: germline.
Comment: The LEP c.400G>A variant is predicted to result in the amino acid substitution p.Val134Ile. To our knowledge, this variant has not been reported in the literature or in a large population database (gnomAD), indicating this variant is rare. At this time, the clinical significance of this variant is uncertain due to the absence of conclusive functional and genetic evidence.

NM_000230.3(LEP):c.400G>A (p.Val134Ile)

Gene: LEP (leptin; plus strand). Cytogenetic location: 7q32.1.
Variant type: single nucleotide variant.
Coding change: c.400G>A on transcript NM_000230.3 (MANE Select); coding-DNA position 400, G replaced by A.
Protein change: p.Val134Ile; replaces valine 134 with isoleucine.
Molecular consequence: missense variant.
Genome position (GRCh38, 1-based): chr7:128,254,659, G>A. VCF-style: chr7-128254659-G-A. GRCh37 (hg19) VCF-style: chr7-127894712-G-A.
Other names: short protein forms V134I.
Identifiers: ClinVar variation 4983239 (VCV004983239.1).
Genomic context (GRCh38, chr7:128,254,659, plus strand): 5'-TCTAAGAGCTGCCACTTGCCCTGGGCCAGTGGCCTGGAGACCTTGGACAGCCTGGGGGGT[G>A]TCCTGGAAGCTTCAGGCTACTCCACAGAGGTGGTGGCCCTGAGCAGGCTGCAGGGGTCTC-3'
Protein context (NP_000221.1, residues 124-144): GLETLDSLGG[Val134Ile]LEASGYSTEV